The following is an entry in ClinVar:

NM_001371928.1(AHDC1):c.3234_3242del (p.Thr1079_Ala1081del)

Gene: AHDC1 (AT-hook DNA binding motif containing 1; minus strand). Cytogenetic location: 1p36.11.
Variant type: Deletion.
Coding change: c.3234_3242del on transcript NM_001371928.1 (MANE Select); coding-DNA positions 3234 to 3242, 9 bases deleted (CACCTCTGC; older notation c.3234_3242delCACCTCTGC).
Protein change: p.Thr1079_Ala1081del.
Molecular consequence: inframe deletion.
Genome position (GRCh38, 1-based): chr1:27,548,874-27,548,882, GCAGAGGTG deleted on the plus strand (CACCTCTGC on the coding strand, the reverse complement: AHDC1 is on the minus strand); deleting any 9 consecutive bases within chr1:27,548,874-27,548,889 gives the same sequence; the c. name uses the placement nearest the transcript's 3' end. VCF-style (leftmost placement, unchanged base first): chr1-27548873-TGCAGAGGTG-T. GRCh37 (hg19) VCF-style: chr1-27875384-TGCAGAGGTG-T.
Other names: c.3234_3242del, p.Thr1079_Ala1081del (NM_001029882.3); c.3234_3242delCACCTCTGC (NM_001029882.3, NM_001029882.2); c.3234_3242del9 (NM_001029882.3); c.3234_3242del (NM_001029882.2).
Identifiers: ClinVar variation 788759 (VCV000788759.35), dbSNP rs754444655, ClinGen allele CA715593.
Genomic context (GRCh38, chr1:27,548,873, plus strand): 5'-CTGCCGACAGTTCTCGGGCGAGGGCTGGAAGGAGGAGGAGGAGGAGGAGGCGGCAGAGGC[TGCAGAGGTG>T]GCAGAGGCTGTGGTGCCCTTGGGTACCATGTAGCCACCGGGCGAGACTGTGCTGGCCCGG-3'

ClinVar aggregate classification (germline): Benign/Likely benign. Review status: criteria provided, multiple submitters, no conflicts (2 of 4 stars). 8 submissions from 8 submitters: Benign (3); Likely benign (2). 3 of the submissions do not count toward it. Last evaluated 2026-01-15.

Conditions:
Inborn genetic diseases. Identifiers: MedGen C0950123, MeSH D030342.
AHDC1-related disorder. Also called: AHDC1-related condition.
AHDC1-related intellectual disability - obstructive sleep apnea - mild dysmorphism syndrome. Also called: Xia-Gibbs syndrome. Identifiers: Orphanet 412069, MedGen C4014419, MONDO:0014358, OMIM 615829.

Submissions (8):

Labcorp Genetics (formerly Invitae), Labcorp
Classification: Benign. Last evaluated: 2026-01-15. Review status: criteria provided, single submitter. Criteria: Invitae Variant Classification Sherloc (09022015). Collection method: clinical testing. Allele origin: germline.

CeGaT Center for Human Genetics Tuebingen
Classification: Likely benign. Last evaluated: 2026-01-01. Review status: criteria provided, single submitter. Criteria: CeGaT Center For Human Genetics Tuebingen Variant Classification Criteria Version 2. Collection method: clinical testing. Allele origin: germline. Affected: yes. Observed: 3 variant alleles.
Comment: AHDC1: PM4, BS1

Ambry Genetics
Classification: Likely benign for Inborn genetic diseases. Last evaluated: 2024-08-02. Review status: criteria provided, single submitter. Criteria: Ambry Variant Classification Scheme 2023. Collection method: clinical testing. Allele origin: germline.

Genome-Nilou Lab
Classification: Benign for AHDC1-related intellectual disability - obstructive sleep apnea - mild dysmorphism syndrome. Last evaluated: 2021-12-05. Review status: criteria provided, single submitter. Criteria: ACMG Guidelines, 2015. Collection method: clinical testing. Allele origin: germline. Affected: no.

GeneDx
Classification: Benign. Last evaluated: 2019-05-13. Review status: criteria provided, single submitter. Criteria: GeneDx Variant Classification Process June 2021. Collection method: clinical testing. Allele origin: germline. Affected: yes.

PreventionGenetics, part of Exact Sciences
Classification: Likely benign for AHDC1-related condition. Last evaluated: 2023-02-20. Review status: no assertion criteria provided. Collection method: clinical testing. Allele origin: germline. Not counted in ClinVar's aggregate classification.
Comment: This variant is classified as likely benign based on ACMG/AMP sequence variant interpretation guidelines (Richards et al. 2015 PMID: 25741868, with internal and published modifications).

Clinical Genetics DNA and cytogenetics Diagnostics Lab, Erasmus MC, Erasmus Medical Center
Classification: Uncertain significance. Review status: no assertion criteria provided. Collection method: clinical testing. Allele origin: germline. Affected: yes. Study: VKGL Data-share Consensus. Not counted in ClinVar's aggregate classification.

Diagnostic Laboratory, Department of Genetics, University Medical Center Groningen
Classification: Uncertain significance. Review status: no assertion criteria provided. Collection method: clinical testing. Allele origin: germline. Affected: yes. Study: VKGL Data-share Consensus. Not counted in ClinVar's aggregate classification.